The following is an entry in ClinVar:

NM_003002.4(SDHD):c.124_127delinsATA (p.Glu42fs)

Gene: SDHD (succinate dehydrogenase complex subunit D; plus strand). Cytogenetic location: 11q23.1.
Variant type: Indel.
Coding change: c.124_127delinsATA on transcript NM_003002.4 (MANE Select); coding-DNA positions 124 to 127, GAAT replaced by ATA.
Protein change: p.Glu42fs; shifts the reading frame from glutamic acid 42.
Molecular consequence: frameshift variant. On other transcripts: non-coding transcript variant (1), intron variant (1).
Genome position (GRCh38, 1-based): chr11:112,087,928-112,087,931, GAAT replaced by ATA. VCF-style: chr11-112087928-GAAT-ATA. GRCh37 (hg19) VCF-style: chr11-111958652-GAAT-ATA.
Other names: c.53-939_53-936delinsATA (NM_001276504.2); c.124_127delinsATA, p.Glu42fs (NM_001276503.2, NM_001276506.2); short protein forms E42fs.
Identifiers: ClinVar variation 964700 (VCV000964700.4), dbSNP rs1865655347, ClinGen allele CA1139662326.

ClinVar aggregate classification (germline): Pathogenic (1 of 4 stars; one submission).

Conditions:
Carney-Stratakis syndrome. Also called: PARAGANGLIOMA AND GASTROINTESTINAL STROMAL TUMOR. Identifiers: Orphanet 97286, MedGen C1847319, MONDO:0011740, OMIM 606864.
Pheochromocytoma. Also called: MAX-Related Hereditary Paraganglioma-Pheochromocytoma Syndrome. Identifiers: Orphanet 29072, MedGen C0031511, MONDO:0008233, OMIM 171300, HP:0002666.
Paragangliomas with sensorineural hearing loss. Identifiers: MedGen C1868633.
Cowden syndrome 3 (CWS3). Identifiers: Orphanet 201, MedGen CN166604, MONDO:0014045.

Submission:

Labcorp Genetics (formerly Invitae), Labcorp
Classification: Pathogenic for Carney-Stratakis syndrome; Paragangliomas with sensorineural hearing loss; Pheochromocytoma; Cowden syndrome 3. Last evaluated: 2019-01-24. Review status: criteria provided, single submitter. Criteria: Invitae Variant Classification Sherloc (09022015). Collection method: clinical testing. Allele origin: germline.
Comment: For these reasons, this variant has been classified as Pathogenic. Loss-of-function variants in SDHD are known to be pathogenic (PMID: 19454582, 19802898). This variant has not been reported in the literature in individuals with SDHD-related conditions. This variant is not present in population databases (ExAC no frequency). This sequence change creates a premature translational stop signal (p.Glu42Ilefs*44) in the SDHD gene. It is expected to result in an absent or disrupted protein product.

Literature cited by the submitters: PubMed 19454582; PubMed 19802898.